The following is an entry in ClinVar:

NM_002439.5(MSH3):c.579G>T (p.Lys193Asn)

Gene: MSH3 (mutS homolog 3; plus strand). Cytogenetic location: 5q14.1.
Variant type: single nucleotide variant.
Coding change: c.579G>T on transcript NM_002439.5 (MANE Select); coding-DNA position 579, G replaced by T.
Protein change: p.Lys193Asn; replaces lysine 193 with asparagine.
Molecular consequence: missense variant.
Genome position (GRCh38, 1-based): chr5:80,665,363, G>T. VCF-style: chr5-80665363-G-T. GRCh37 (hg19) VCF-style: chr5-79961182-G-T.
Other names: c.579G>T (NM_002439.3); short protein forms K193N.
Identifiers: ClinVar variation 1008738 (VCV001008738.9), dbSNP rs1749547577, ClinGen allele CA360264653.

ClinVar aggregate classification (germline): Uncertain significance. Review status: criteria provided, multiple submitters, no conflicts (2 of 4 stars). 2 submissions from 2 submitters: Uncertain significance (2). Last evaluated 2026-07-08.

Conditions:
Hereditary cancer-predisposing syndrome. Also called: Tumor predisposition; Hereditary Cancer Syndrome; Hereditary neoplastic syndrome; Neoplastic Syndromes, Hereditary. Identifiers: Orphanet 140162, MedGen C0027672, MeSH D009386, MONDO:0015356.

Submissions (2):

Ambry Genetics
Classification: Uncertain significance for Hereditary cancer-predisposing syndrome. Last evaluated: 2026-07-08. Review status: criteria provided, single submitter. Criteria: Ambry Variant Classification Scheme 2023. Collection method: clinical testing. Allele origin: germline.
Comment: The c.579G>T variant (also known as p.K193N), located in coding exon 3 of the MSH3 gene, results from a G to T substitution at nucleotide position 579. The amino acid change results in lysine to asparagine at codon 193, an amino acid with similar properties. However, this change occurs in the last base pair of coding exon 3, which makes it likely to have some effect on normal mRNA splicing. This nucleotide position is well conserved in available vertebrate species. This amino acid position is highly conserved in available vertebrate species. In silico splice site analysis predicts that this alteration may weaken the native splice donor site. In addition, as a missense substitution this is predicted to be tolerated by in silico analysis. Based on the available evidence, the clinical significance of this variant remains unclear.

Labcorp Genetics (formerly Invitae), Labcorp
Classification: Uncertain significance. Last evaluated: 2023-11-17. Review status: criteria provided, single submitter. Criteria: Invitae Variant Classification Sherloc (09022015). Collection method: clinical testing. Allele origin: germline.
Comment: This sequence change replaces lysine, which is basic and polar, with asparagine, which is neutral and polar, at codon 193 of the MSH3 protein (p.Lys193Asn). This variant also falls at the last nucleotide of exon 3, which is part of the consensus splice site for this exon. This variant is not present in population databases (gnomAD no frequency). This variant has not been reported in the literature in individuals affected with MSH3-related conditions. ClinVar contains an entry for this variant (Variation ID: 1008738). An algorithm developed to predict the effect of missense changes on protein structure and function (PolyPhen-2) suggests that this variant is likely to be disruptive. Variants that disrupt the consensus splice site are a relatively common cause of aberrant splicing (PMID: 17576681, 9536098). Algorithms developed to predict the effect of sequence changes on RNA splicing suggest that this variant may disrupt the consensus splice site. In summary, the available evidence is currently insufficient to determine the role of this variant in disease. Therefore, it has been classified as a Variant of Uncertain Significance.

Literature cited by the submitters: PubMed 17576681 (cited by Labcorp Genetics (formerly Invitae), Labcorp); PubMed 9536098 (cited by Labcorp Genetics (formerly Invitae), Labcorp).